The following is an entry in ClinVar:

ClinVar aggregate classification (germline): Benign (1 of 4 stars; one submission).

Conditions:
Sorsby fundus dystrophy (SFD). Also called: MACULAR DYSTROPHY, HEMORRHAGIC; Sorsby fundus dystrophy, Lavia type; FUNDUS DYSTROPHY, PSEUDOINFLAMMATORY, OF SORSBY. Identifiers: Orphanet 59181, MedGen C1850938, MONDO:0007640, OMIM 136900.

Allele frequency attached by ClinVar (database versions not stated): TOPMed 0.00018; 1000 Genomes Project 0.00040; 1000 Genomes Project 30x 0.00062; gnomAD 0.00147 and 0.00153.

Submission:

Illumina Laboratory Services, Illumina
Classification: Benign for Sorsby fundus dystrophy. Last evaluated: 2018-01-12. Review status: criteria provided, single submitter. Criteria: ICSL Variant Classification Criteria 13 December 2019. Collection method: clinical testing. Allele origin: germline.
Comment: This variant was observed in the ICSL laboratory as part of a predisposition screen in an ostensibly healthy population. It had not been previously curated by ICSL or reported in the Human Gene Mutation Database (HGMD: prior to June 1st, 2018), and was therefore a candidate for classification through an automated scoring system. Utilizing variant allele frequency, disease prevalence and penetrance estimates, and inheritance mode, an automated score was calculated to assess if this variant is too frequent to cause the disease. Based on the score and internal cut-off values, a variant classified as benign is not then subjected to further curation. The score for this variant resulted in a classification of benign for this disease.

NM_000362.5(TIMP3):c.*3084T>C

Genes: SYN3 (synapsin III; minus strand), TIMP3 (TIMP metallopeptidase inhibitor 3; plus strand). Cytogenetic location: 22q12.3.
Variant type: single nucleotide variant.
Coding change: c.*3084T>C on transcript NM_000362.5 (MANE Select); 3084 bases downstream of the stop codon, T replaced by C.
Molecular consequence: 3 prime UTR variant. On other transcripts: intron variant (7).
Genome position (GRCh38, 1-based): chr22:32,862,461, T>C. VCF-style: chr22-32862461-T-C. GRCh37 (hg19) VCF-style: chr22-33258448-T-C.
Other names: c.708+2454A>G (NM_001369909.1, NM_001135774.2, NM_001369910.1); c.711+2454A>G (NM_001369907.1, NM_003490.4, NM_001369908.1 and 1 more transcripts).
Identifiers: ClinVar variation 341402 (VCV000341402.5), dbSNP rs187470458, ClinGen allele CA10654095.